The following is an entry in ClinVar:

NM_002618.4(PEX13):c.205A>T (p.Asn69Tyr)

Gene: PEX13 (peroxisomal biogenesis factor 13; plus strand). Cytogenetic location: 2p15.
Variant type: single nucleotide variant.
Coding change: c.205A>T on transcript NM_002618.4 (MANE Select); coding-DNA position 205, A replaced by T.
Protein change: p.Asn69Tyr; replaces asparagine 69 with tyrosine.
Molecular consequence: missense variant.
Genome position (GRCh38, 1-based): chr2:61,031,531, A>T. VCF-style: chr2-61031531-A-T. GRCh37 (hg19) VCF-style: chr2-61258666-A-T.
Other names: c.205A>T (NM_002618.3); short protein forms N69Y.
Identifiers: ClinVar variation 1003682 (VCV001003682.5), dbSNP rs1338444377, ClinGen allele CA346941553.

ClinVar aggregate classification (germline): Uncertain significance. Review status: criteria provided, multiple submitters, no conflicts (2 of 4 stars). 2 submissions from 2 submitters: Uncertain significance (2). Last evaluated 2025-04-19.

Conditions:
Peroxisome biogenesis disorder 11A (Zellweger). Also called: Peroxisome biogenesis disorder 11A. Identifiers: Orphanet 912, MedGen C3554000, MONDO:0013949, OMIM 614883.
Inborn genetic diseases. Identifiers: MedGen C0950123, MeSH D030342.

Allele frequency attached by ClinVar (database versions not stated): gnomAD exomes 0.00001; TOPMed 0.00001; gnomAD 0.00002.

Submissions (2):

Ambry Genetics
Classification: Uncertain significance for Inborn genetic diseases. Last evaluated: 2025-04-19. Review status: criteria provided, single submitter. Criteria: Ambry Variant Classification Scheme 2023. Collection method: clinical testing. Allele origin: germline.

Labcorp Genetics (formerly Invitae), Labcorp
Classification: Uncertain significance for Peroxisome biogenesis disorder 11A (Zellweger). Last evaluated: 2022-05-17. Review status: criteria provided, single submitter. Criteria: Invitae Variant Classification Sherloc (09022015). Collection method: clinical testing. Allele origin: germline.
Comment: This sequence change replaces asparagine, which is neutral and polar, with tyrosine, which is neutral and polar, at codon 69 of the PEX13 protein (p.Asn69Tyr). This variant is present in population databases (no rsID available, gnomAD 0.007%). This variant has not been reported in the literature in individuals affected with PEX13-related conditions. ClinVar contains an entry for this variant (Variation ID: 1003682). Algorithms developed to predict the effect of missense changes on protein structure and function are either unavailable or do not agree on the potential impact of this missense change (SIFT: "Deleterious"; PolyPhen-2: "Possibly Damaging"; Align-GVGD: "Class C0"). In summary, the available evidence is currently insufficient to determine the role of this variant in disease. Therefore, it has been classified as a Variant of Uncertain Significance.